The following is an entry in ClinVar:

ClinVar aggregate classification (germline): Likely benign (0 of 4 stars; one submission).

Conditions:
GRM8-related disorder. Also called: GRM8-related condition.

Allele frequency attached by ClinVar (database versions not stated): gnomAD exomes below 0.00001; TOPMed below 0.00001; gnomAD 0.00001.
gnomAD v4.1: 9 of 1,614,000 alleles (0.00056%); highest among the groups gnomAD compares: Admixed American, 0.01%; no homozygotes.

Submission:

PreventionGenetics, part of Exact Sciences
Classification: Likely benign for GRM8-related condition. Last evaluated: 2019-06-06. Review status: no assertion criteria provided. Collection method: clinical testing. Allele origin: germline.
Comment: This variant is classified as likely benign based on ACMG/AMP sequence variant interpretation guidelines (Richards et al. 2015 PMID: 25741868, with internal and published modifications).

NM_000845.3(GRM8):c.1878A>T (p.Leu626=)

Gene: GRM8 (glutamate metabotropic receptor 8; minus strand). Cytogenetic location: 7q31.33.
Variant type: single nucleotide variant.
Coding change: c.1878A>T on transcript NM_000845.3 (MANE Select); coding-DNA position 1878, A replaced by T.
Protein change: p.Leu626=; no amino-acid change (leucine 626 retained).
Molecular consequence: synonymous variant. On other transcripts: non-coding transcript variant (3).
Genome position (GRCh38, 1-based): chr7:126,533,504, T>A on the plus strand (A>T on the coding strand, the complement: GRM8 is on the minus strand). VCF-style: chr7-126533504-T-A. GRCh37 (hg19) VCF-style: chr7-126173558-T-A.
Other names: c.1878A>T, p.Leu626= (NM_001127323.1, NM_001371083.1, NM_001371084.1 and 2 more transcripts); c.*443A>T (NM_001127326.1); c.1263A>T, p.Leu421= (NM_001371087.1).
Identifiers: ClinVar variation 3044864 (VCV003044864.2), dbSNP rs1237212020, ClinGen allele CA457854777.